The following is an entry in ClinVar:

NM_007126.5(VCP):c.409C>T (p.Pro137Ser)

Gene: VCP (valosin containing protein; minus strand). Cytogenetic location: 9p13.3.
Variant type: single nucleotide variant.
Coding change: c.409C>T on transcript NM_007126.5 (MANE Select); coding-DNA position 409, C replaced by T.
Protein change: p.Pro137Ser; replaces proline 137 with serine.
Molecular consequence: missense variant.
Genome position (GRCh38, 1-based): chr9:35,066,711, G>A on the plus strand (C>T on the coding strand, the complement: VCP is on the minus strand). VCF-style: chr9-35066711-G-A. GRCh37 (hg19) VCF-style: chr9-35066708-G-A.
Other names: c.274C>T, p.Pro92Ser (NM_001354927.2, NM_001354928.2); short protein forms P137S, P92S.
Identifiers: ClinVar variation 599629 (VCV000599629.1), dbSNP rs866101707, ClinGen allele CA192682504.
Genomic context (GRCh38, chr9:35,066,711, plus strand): 5'-CTTAAGCTCAGAATTAGCTCTCACCTTTCCGGATGGGTCGATACGCTTCCAGGAAGTACG[G>A]CTTAAGGTATACCTCGAAGAGATTACCAGTAATGCCTTCCACTGTGTCATCAATGGGCAG-3'
Protein context (NP_009057.1, residues 127-147): TGNLFEVYLK[Pro137Ser]YFLEAYRPIR

ClinVar aggregate classification (germline): Likely pathogenic (1 of 4 stars; one submission).

Conditions:
Alzheimer disease. Also called: Presenile and senile dementia; Alzheimer's disease. Identifiers: Orphanet 1020, MedGen C0002395, MeSH D000544, MONDO:0004975, HP:0002511.

Allele frequency attached by ClinVar (database versions not stated): gnomAD exomes below 0.00001; TOPMed below 0.00001.
gnomAD v4.1: 1 of 1,614,122 alleles (0.000062%); highest among the groups gnomAD compares: Non-Finnish European, 0.000085%; no homozygotes.

Submission:

Human Genetics Group at Institute of Prion Diseases London, University College London
Classification: Likely pathogenic for Alzheimer disease type 1. Last evaluated: 2017-02-01. Review status: criteria provided, single submitter. Criteria: Koriath et al. 2018. Collection method: research. Allele origin: inherited. Affected: yes. Observed: 1 variant allele.
Comment: Mutation at same location has been described in various pedigrees related to dementia with Pagetâ€™s disease or with myopathy. The amino acid change caused by this variant compared to the published one is slightly less dramatic, but still very similar with a change from proline to an uncharged polar side chain instead of a hydrophobic one

Confirmed by Sanger sequencing